The following is an entry in ClinVar:

NM_004656.4(BAP1):c.449G>A (p.Arg150His)

Gene: BAP1 (BRCA1 associated deubiquitinase 1; minus strand). Cytogenetic location: 3p21.1.
Variant type: single nucleotide variant.
Coding change: c.449G>A on transcript NM_004656.4 (MANE Select); coding-DNA position 449, G replaced by A.
Protein change: p.Arg150His; replaces arginine 150 with histidine.
Molecular consequence: missense variant.
Genome position (GRCh38, 1-based): chr3:52,407,305, C>T on the plus strand (G>A on the coding strand, the complement: BAP1 is on the minus strand). VCF-style: chr3-52407305-C-T. GRCh37 (hg19) VCF-style: chr3-52441321-C-T.
Other names: short protein forms R150H.
Identifiers: ClinVar variation 649331 (VCV000649331.14), dbSNP rs1578226535, ClinGen allele CA353110404.

ClinVar aggregate classification (germline): Conflicting classifications of pathogenicity. Review status: criteria provided, conflicting classifications (1 of 4 stars). 4 submissions from 4 submitters: Uncertain significance (3); Likely benign (1). Last evaluated 2025-05-23.

Conditions:
BAP1-related tumor predisposition syndrome (TPDS1). Also called: BAP1 tumor predisposition syndrome; Tumor susceptibility linked to germline BAP1 mutations; COMMON Syndrome; TUMOR PREDISPOSITION SYNDROME 1. Identifiers: Orphanet 289539, MedGen C3280492, MONDO:0013692, OMIM 614327.
Hereditary cancer-predisposing syndrome. Also called: Neoplastic Syndromes, Hereditary; Tumor predisposition; Hereditary Cancer Syndrome; Hereditary neoplastic syndrome. Identifiers: Orphanet 140162, MedGen C0027672, MeSH D009386, MONDO:0015356.

Allele frequency attached by ClinVar (database versions not stated): TOPMed below 0.00001; gnomAD 0.00001.
gnomAD v4.1: 7 of 1,613,998 alleles (0.00043%); highest among the groups gnomAD compares: Non-Finnish European, 0.00059%; no homozygotes.

Submissions (4):

Labcorp Genetics (formerly Invitae), Labcorp
Classification: Uncertain significance for BAP1-related tumor predisposition syndrome. Last evaluated: 2025-05-23. Review status: criteria provided, single submitter. Criteria: Invitae Variant Classification Sherloc (09022015). Collection method: clinical testing. Allele origin: germline.
Comment: This sequence change replaces arginine, which is basic and polar, with histidine, which is basic and polar, at codon 150 of the BAP1 protein (p.Arg150His). This variant is not present in population databases (gnomAD no frequency). This variant has not been reported in the literature in individuals affected with BAP1-related conditions. ClinVar contains an entry for this variant (Variation ID: 649331). Invitae Evidence Modeling of protein sequence and biophysical properties (such as structural, functional, and spatial information, amino acid conservation, physicochemical variation, residue mobility, and thermodynamic stability) indicates that this missense variant is expected to disrupt BAP1 protein function with a positive predictive value of 80%. In summary, the available evidence is currently insufficient to determine the role of this variant in disease. Therefore, it has been classified as a Variant of Uncertain Significance.

Ambry Genetics
Classification: Likely benign for Hereditary cancer-predisposing syndrome. Last evaluated: 2024-10-17. Review status: criteria provided, single submitter. Criteria: Ambry Variant Classification Scheme 2023. Collection method: clinical testing. Allele origin: germline.

Baylor Genetics
Classification: Uncertain significance for BAP1-related tumor predisposition syndrome. Last evaluated: 2024-03-13. Review status: criteria provided, single submitter. Criteria: ACMG Guidelines, 2015. Collection method: clinical testing. Allele origin: unknown.

Color Diagnostics, LLC DBA Color Health
Classification: Uncertain significance for Hereditary cancer-predisposing syndrome. Last evaluated: 2022-09-19. Review status: criteria provided, single submitter. Criteria: ACMG Guidelines, 2015. Collection method: clinical testing. Allele origin: germline.
Comment: This missense variant replaces arginine with histidine at codon 150 of the BAP1 protein. Computational prediction suggests that this variant may not impact protein structure and function (internally defined REVEL score threshold <= 0.5, PMID: 27666373). To our knowledge, functional studies have not been reported for this variant. This variant has not been reported in individuals affected with hereditary cancer in the literature. This variant has not been identified in the general population by the Genome Aggregation Database (gnomAD). The available evidence is insufficient to determine the role of this variant in disease conclusively. Therefore, this variant is classified as a Variant of Uncertain Significance.

Literature cited by the submitters: PubMed 38969833 (cited by Ambry Genetics).